The following is an entry in ClinVar:

ClinVar aggregate classification (germline): Uncertain significance. Review status: criteria provided, multiple submitters, no conflicts (2 of 4 stars). 2 submissions from 2 submitters: Uncertain significance (2). Last evaluated 2025-11-03.

Conditions:
Inborn genetic diseases. Identifiers: MedGen C0950123, MeSH D030342.

Allele frequency attached by ClinVar (database versions not stated): ExAC 0.00002.
gnomAD v4.1: 13 of 1,613,770 alleles (0.00081%); highest among the groups gnomAD compares: African/African-American, 0.015%; no homozygotes.

Submissions (2):

Ambry Genetics
Classification: Uncertain significance for Inborn genetic diseases. Last evaluated: 2025-11-03. Review status: criteria provided, single submitter. Criteria: Ambry Variant Classification Scheme 2023. Collection method: clinical testing. Allele origin: germline.

Labcorp Genetics (formerly Invitae), Labcorp
Classification: Uncertain significance. Last evaluated: 2023-11-06. Review status: criteria provided, single submitter. Criteria: Invitae Variant Classification Sherloc (09022015). Collection method: clinical testing. Allele origin: germline.
Comment: This sequence change replaces glutamic acid, which is acidic and polar, with aspartic acid, which is acidic and polar, at codon 273 of the PPP1R15B protein (p.Glu273Asp). This variant is present in population databases (rs775549963, gnomAD 0.02%). This variant has not been reported in the literature in individuals affected with PPP1R15B-related conditions. ClinVar contains an entry for this variant (Variation ID: 2470519). Advanced modeling of protein sequence and biophysical properties (such as structural, functional, and spatial information, amino acid conservation, physicochemical variation, residue mobility, and thermodynamic stability) performed at Invitae indicates that this missense variant is not expected to disrupt PPP1R15B protein function with a negative predictive value of 80%. In summary, the available evidence is currently insufficient to determine the role of this variant in disease. Therefore, it has been classified as a Variant of Uncertain Significance.

NM_032833.5(PPP1R15B):c.819A>C (p.Glu273Asp)

Gene: PPP1R15B (protein phosphatase 1 regulatory subunit 15B; minus strand). Cytogenetic location: 1q32.1.
Variant type: single nucleotide variant.
Coding change: c.819A>C on transcript NM_032833.5 (MANE Select); coding-DNA position 819, A replaced by C.
Protein change: p.Glu273Asp; replaces glutamic acid 273 with aspartic acid.
Molecular consequence: missense variant.
Genome position (GRCh38, 1-based): chr1:204,410,593, T>G on the plus strand (A>C on the coding strand, the complement: PPP1R15B is on the minus strand). VCF-style: chr1-204410593-T-G. GRCh37 (hg19) VCF-style: chr1-204379721-T-G.
Other names: short protein forms E273D.
Identifiers: ClinVar variation 2470519 (VCV002470519.6), dbSNP rs775549963, ClinGen allele CA1346741.